The following is an entry in ClinVar:

ClinVar aggregate classification (germline): Uncertain significance (1 of 4 stars; one submission).

Allele frequency attached by ClinVar (database versions not stated): gnomAD exomes below 0.00001.
gnomAD v4.1: 2 of 1,606,192 alleles (0.00012%); highest among the groups gnomAD compares: Non-Finnish European, 0.00017%; no homozygotes.

Submission:

Labcorp Genetics (formerly Invitae), Labcorp
Classification: Uncertain significance. Last evaluated: 2023-12-15. Review status: criteria provided, single submitter. Criteria: Invitae Variant Classification Sherloc (09022015). Collection method: clinical testing. Allele origin: germline.
Comment: This sequence change replaces histidine, which is basic and polar, with arginine, which is basic and polar, at codon 1744 of the POLE protein (p.His1744Arg). This variant is not present in population databases (gnomAD no frequency). This variant has not been reported in the literature in individuals affected with POLE-related conditions. Advanced modeling of protein sequence and biophysical properties (such as structural, functional, and spatial information, amino acid conservation, physicochemical variation, residue mobility, and thermodynamic stability) performed at Invitae indicates that this missense variant is not expected to disrupt POLE protein function with a negative predictive value of 80%. In summary, the available evidence is currently insufficient to determine the role of this variant in disease. Therefore, it has been classified as a Variant of Uncertain Significance.

NM_006231.4(POLE):c.5231A>G (p.His1744Arg)

Gene: POLE (DNA polymerase epsilon, catalytic subunit; minus strand). Cytogenetic location: 12q24.33.
Variant type: single nucleotide variant.
Coding change: c.5231A>G on transcript NM_006231.4 (MANE Select); coding-DNA position 5231, A replaced by G.
Protein change: p.His1744Arg; replaces histidine 1744 with arginine.
Molecular consequence: missense variant.
Genome position (GRCh38, 1-based): chr12:132,641,794, T>C on the plus strand (A>G on the coding strand, the complement: POLE is on the minus strand). VCF-style: chr12-132641794-T-C. GRCh37 (hg19) VCF-style: chr12-133218380-T-C.
Other names: short protein forms H1744R.
Identifiers: ClinVar variation 2779541 (VCV002779541.3), dbSNP rs2541881425, ClinGen allele CA387376384.
Genomic context (GRCh38, chr12:132,641,794, plus strand): 5'-GCCTGCTGGATCACGTCGAAGCTGATCCCCATGCTGTCGGCCCCCTCCATGTCGTTGACA[T>C]GGTGAGACTGGAGAATGGTGTTGACGGCCAGGTTCTGAAGGTCCAGCTCCACACACACTG-3'
Protein context (NP_006222.2, residues 1734-1754): LAVNTILQSH[His1744Arg]VNDMEGADSM